The following is an entry in ClinVar:

NM_003105.6(SORL1):c.5167-6G>T

Gene: SORL1 (sortilin related receptor 1; plus strand). Cytogenetic location: 11q24.1.
Variant type: single nucleotide variant.
Coding change: c.5167-6G>T on transcript NM_003105.6 (MANE Select); 6 bases into the intron before coding-DNA position 5167, G replaced by T.
Molecular consequence: intron variant.
Genome position (GRCh38, 1-based): chr11:121,608,098, G>T. VCF-style: chr11-121608098-G-T. GRCh37 (hg19) VCF-style: chr11-121478807-G-T.
Identifiers: ClinVar variation 3011460 (VCV003011460.3), dbSNP rs773287734, ClinGen allele CA6329862.
Genomic context (GRCh38, chr11:121,608,098, plus strand): 5'-TTCTTACTGTATGGTGTATGGTGTATTGCCTTTATTTCATATTAATTCACCCTCTGATTT[G>T]AAAAGGTGGCTGCGGTGACTAGTCGTGGAATAGGAAACTGGAGCGATTCTAAATCCATTA-3'

ClinVar aggregate classification (germline): Uncertain significance (1 of 4 stars; one submission).

Allele frequency attached by ClinVar (database versions not stated): ExAC 0.00001; gnomAD exomes 0.00001; TOPMed 0.00001.
gnomAD v4.1: 20 of 1,612,376 alleles (0.0012%); highest among the groups gnomAD compares: Admixed American, 0.0033%; no homozygotes.

Submission:

Labcorp Genetics (formerly Invitae), Labcorp
Classification: Uncertain significance. Last evaluated: 2023-09-12. Review status: criteria provided, single submitter. Criteria: Invitae Variant Classification Sherloc (09022015). Collection method: clinical testing. Allele origin: germline.
Comment: This sequence change falls in intron 37 of the SORL1 gene. It does not directly change the encoded amino acid sequence of the SORL1 protein. This variant is present in population databases (rs773287734, gnomAD 0.002%). This variant has not been reported in the literature in individuals affected with SORL1-related conditions. Algorithms developed to predict the effect of sequence changes on RNA splicing suggest that this variant may create or strengthen a splice site. In summary, the available evidence is currently insufficient to determine the role of this variant in disease. Therefore, it has been classified as a Variant of Uncertain Significance.